The following is an entry in ClinVar:

NM_001130987.2(DYSF):c.1381-2A>G

Gene: DYSF (dysferlin; plus strand). Cytogenetic location: 2p13.2.
Variant type: single nucleotide variant.
Coding change: c.1381-2A>G on transcript NM_001130987.2 (MANE Select); the canonical splice acceptor site of the intron before coding-DNA position 1381, A replaced by G.
Molecular consequence: splice acceptor variant.
Genome position (GRCh38, 1-based): chr2:71,535,019, A>G. VCF-style: chr2-71535019-A-G. GRCh37 (hg19) VCF-style: chr2-71762149-A-G.
Other names: IVS14AS, A-G, -2; c.1378-2A>G (NM_001130979.2, NM_001130981.2, NM_001130980.2); c.1285-2A>G (NM_001130978.2, NM_003494.4, NM_001130977.2 and 1 more transcripts); c.1381-2A>G (NM_001130982.2, NM_001130985.2); c.1288-2A>G (NM_001130983.2, NM_001130455.2, NM_001130984.2 and 1 more transcripts).
Identifiers: ClinVar variation 6683 (VCV000006683.7), dbSNP rs786200897, ClinGen allele CA253920.

ClinVar aggregate classification (germline): Pathogenic/Likely pathogenic. Review status: criteria provided, multiple submitters, no conflicts (2 of 4 stars). 4 submissions from 4 submitters: Pathogenic (2); Likely pathogenic (1). 1 of the submissions does not count toward it. Last evaluated 2025-06-10.

Conditions:
Autosomal recessive limb-girdle muscular dystrophy. Identifiers: Orphanet 102015, MedGen C2931907, MONDO:0015152.
Neuromuscular disease caused by qualitative or quantitative defects of dysferlin. Also called: Dysferlinopathy; Qualitative or quantitative defects of dysferlin. Identifiers: Orphanet 207073, MedGen C2931687, MONDO:0016145.
Autosomal recessive limb-girdle muscular dystrophy type 2B (LGMDR2). Also called: Limb-girdle muscular dystrophy, type 2B; MUSCULAR DYSTROPHY, LIMB-GIRDLE, TYPE 3; Limb-Girdle Muscular Dystrophy Type 2B (LGMD2B); MUSCULAR DYSTROPHY, LIMB-GIRDLE, AUTOSOMAL RECESSIVE 2. Identifiers: Orphanet 268, MedGen C1850889, MONDO:0009676, OMIM 253601.

Submissions (4):

Women's Health and Genetics/Laboratory Corporation of America, LabCorp
Classification: Pathogenic for Autosomal recessive limb-girdle muscular dystrophy. Last evaluated: 2025-06-10. Review status: criteria provided, single submitter. Criteria: LabCorp Variant Classification Summary - May 2015. Collection method: clinical testing. Allele origin: germline.
Comment: Variant summary: DYSF c.1285-2A>G is located in a canonical splice-site and is predicted to affect mRNA splicing resulting in a significantly altered protein due to either exon skipping, shortening, or inclusion of intronic material. Variants that disrupt the consensus splice site are a relatively common cause of aberrant splicing and loss of DYSF function. Several computational tools predict a significant impact on normal splicing: Four predict the variant abolishes a 3' acceptor site, and strengthens a cryptic 3' acceptor site located 8 nucleotides downstream from the original site. At least one publication reported experimental evidence confirming the predicted splice-effect in a mini-gene assay, i.e. it was demonstrated that c.1285-2A>G disrupted the natural splice site and led to the activation of a cryptic 3' splice site located in exon 14, with the deletion of the eight first nucleotides of exon 14, resulting in a frame-shift at the protein level (Kergourlay_2014). The variant was absent in 251444 control chromosomes. c.1285-2A>G has been observed in individual(s) affected with Limb-Girdle Muscular Dystrophy, Autosomal Recessive (e.g. Klinge_2009). These data indicate that the variant may be associated with disease. At least one publication reports experimental evidence evaluating an impact on protein function, however, does not allow convincing conclusions about the variant effect. The following publications have been ascertained in the context of this evaluation (PMID: 19528035, 25312915). ClinVar contains an entry for this variant (Variation ID: 6683). Based on the evidence outlined above, the variant was classified as pathogenic.

Laboratory of Medical Genetics, National & Kapodistrian University of Athens
Classification: Likely pathogenic for Autosomal recessive limb-girdle muscular dystrophy type 2B. Last evaluated: 2024-02-01. Review status: criteria provided, single submitter. Criteria: ACMG Guidelines, 2015. Collection method: curation. Allele origin: germline. Affected: no.

Labcorp Genetics (formerly Invitae), Labcorp
Classification: Pathogenic for Neuromuscular disease caused by qualitative or quantitative defects of dysferlin. Last evaluated: 2023-05-13. Review status: criteria provided, single submitter. Criteria: Invitae Variant Classification Sherloc (09022015). Collection method: clinical testing. Allele origin: germline.
Comment: Disruption of this splice site has been observed in individual(s) with DYSF-related conditions (PMID: 18306167, 19528035). This sequence change affects an acceptor splice site in intron 13 of the DYSF gene. It is expected to disrupt RNA splicing. Variants that disrupt the donor or acceptor splice site typically lead to a loss of protein function (PMID: 16199547), and loss-of-function variants in DYSF are known to be pathogenic (PMID: 17698709, 20301480). This variant is not present in population databases (gnomAD no frequency). ClinVar contains an entry for this variant (Variation ID: 6683). Studies have shown that disruption of this splice site alters mRNA splicing and is expected to lead to the loss of protein expression (PMID: 25312915). For these reasons, this variant has been classified as Pathogenic.

OMIM
Classification: Pathogenic for MUSCULAR DYSTROPHY, LIMB-GIRDLE, AUTOSOMAL RECESSIVE 2. Last evaluated: 2008-03-01. Review status: no assertion criteria provided. Collection method: literature only. Allele origin: germline. Not counted in ClinVar's aggregate classification.

Literature cited by the submitters: PubMed 25312915 (cited by Women's Health and Genetics/Laboratory Corporation of America, LabCorp and Labcorp Genetics (formerly Invitae), Labcorp); PubMed 19528035 (cited by Women's Health and Genetics/Laboratory Corporation of America, LabCorp and Labcorp Genetics (formerly Invitae), Labcorp); PubMed 18306167 (cited by Labcorp Genetics (formerly Invitae), Labcorp and OMIM); PubMed 16199547 (cited by Labcorp Genetics (formerly Invitae), Labcorp); PubMed 17698709 (cited by Labcorp Genetics (formerly Invitae), Labcorp); PubMed 20301480 (cited by Labcorp Genetics (formerly Invitae), Labcorp).